The following is an entry in ClinVar:

ClinVar aggregate classification (germline): Uncertain significance. Review status: criteria provided, multiple submitters, no conflicts (2 of 4 stars). 3 submissions from 3 submitters: Uncertain significance (3). Last evaluated 2024-03-29.

Conditions:
Fanconi anemia complementation group A (FANCA). Also called: Fanconi anemia, group A; FANCA-Related Fanconi Anemia. Identifiers: Orphanet 84, MedGen C3469521, MONDO:0009215, OMIM 227650.
Fanconi anemia (FA). Also called: Fanconi's anemia. Identifiers: Orphanet 84, MedGen C0015625, MeSH D005199, MONDO:0019391.

Submissions (3):

Fulgent Genetics
Classification: Uncertain significance for Fanconi anemia complementation group A. Last evaluated: 2024-03-29. Review status: criteria provided, single submitter. Criteria: ACMG Guidelines, 2015. Collection method: clinical testing. Allele origin: germline.

Labcorp Genetics (formerly Invitae), Labcorp
Classification: Uncertain significance for Fanconi anemia. Last evaluated: 2023-11-29. Review status: criteria provided, single submitter. Criteria: Invitae Variant Classification Sherloc (09022015). Collection method: clinical testing. Allele origin: germline.
Comment: This sequence change replaces proline, which is neutral and non-polar, with leucine, which is neutral and non-polar, at codon 1218 of the FANCA protein (p.Pro1218Leu). Information on the frequency of this variant in the gnomAD database is not available, as this variant may be reported differently in the database. This variant has not been reported in the literature in individuals affected with FANCA-related conditions. ClinVar contains an entry for this variant (Variation ID: 1314709). An algorithm developed to predict the effect of missense changes on protein structure and function (PolyPhen-2) suggests that this variant is likely to be disruptive. In summary, the available evidence is currently insufficient to determine the role of this variant in disease. Therefore, it has been classified as a Variant of Uncertain Significance.

GeneDx
Classification: Uncertain significance. Last evaluated: 2020-01-30. Review status: criteria provided, single submitter. Criteria: GeneDx Variant Classification Process June 2021. Collection method: clinical testing. Allele origin: germline. Affected: yes.
Comment: Not observed in large population cohorts (Lek et al., 2016); In silico analysis, which includes protein predictors and evolutionary conservation, supports a deleterious effect; Has not been previously published as pathogenic or benign to our knowledge

NM_000135.4(FANCA):c.3653_3654inv (p.Pro1218Leu)

Gene: FANCA (FA complementation group A; minus strand). Cytogenetic location: 16q24.3.
Variant type: Inversion.
Coding change: c.3653_3654inv on transcript NM_000135.4 (MANE Select).
Protein change: p.Pro1218Leu; replaces proline 1218 with leucine.
Molecular consequence: missense variant.
Genome position: GRCh38 VCF-style: chr16-89742911-TG-CA. GRCh37 (hg19) VCF-style: chr16-89809319-TG-CA.
Other names: c.3653_3654inv, p.Pro1218Leu (NM_001286167.3); c.3653_3654delinsTG (NM_000135.4); short protein forms P1218L.
Identifiers: ClinVar variation 1314709 (VCV001314709.9), ClinGen allele CA2573054310.